The following is an entry in ClinVar:

NM_016203.4(PRKAG2):c.78C>T (p.Ala26=)

Gene: PRKAG2 (protein kinase AMP-activated non-catalytic subunit gamma 2; minus strand). Cytogenetic location: 7q36.1.
Variant type: single nucleotide variant.
Coding change: c.78C>T on transcript NM_016203.4 (MANE Select); coding-DNA position 78, C replaced by T.
Protein change: p.Ala26=; no amino-acid change (alanine 26 retained).
Molecular consequence: synonymous variant.
Genome position (GRCh38, 1-based): chr7:151,876,543, G>A on the plus strand (C>T on the coding strand, the complement: PRKAG2 is on the minus strand). VCF-style: chr7-151876543-G-A. GRCh37 (hg19) VCF-style: chr7-151573628-G-A.
Other names: c.78C>T, p.Ala26= (NM_001407021.1, NM_001407022.1, NM_001407023.1 and 2 more transcripts).
Identifiers: ClinVar variation 3072503 (VCV003072503.1), dbSNP rs2485879596, ClinGen allele CA458679855.

ClinVar aggregate classification (germline): Likely benign (1 of 4 stars; one submission).

Conditions:
Hypertrophic cardiomyopathy. Also called: HYPERTROPHIC MYOCARDIOPATHY. Identifiers: Orphanet 217569, MedGen C0007194, MeSH D002312, MONDO:0005045, HP:0001639.

Allele frequency attached by ClinVar (database versions not stated): gnomAD exomes below 0.00001.
gnomAD v4.1: 1 of 1,609,258 alleles (0.000062%); highest among the groups gnomAD compares: Non-Finnish European, 0.000085%; no homozygotes.

Submission:

All of Us Research Program, National Institutes of Health
Classification: Likely benign for Hypertrophic cardiomyopathy. Last evaluated: 2023-07-19. Review status: criteria provided, single submitter. Criteria: ACMG Guidelines, 2015. Collection method: clinical testing. Allele origin: germline. Inheritance: Autosomal dominant inheritance. Observed: 1 variant allele, 1 heterozygote.
Comment: This study involves interpretation of variants in research participants for the purpose of population health screening. Participant phenotype was not available at the time of variant classification. Additional details can be found in publication PMID: 35346344, PMCID: PMC8962531